The following is an entry in ClinVar:

NM_000038.6(APC):c.5148_5150del (p.Asn1716del)

Gene: APC (APC regulator of Wnt signaling pathway; plus strand). Cytogenetic location: 5q22.2.
Variant type: Deletion.
Coding change: c.5148_5150del on transcript NM_000038.6 (MANE Select); coding-DNA positions 5148 to 5150, 3 bases deleted (TAA; older notation c.5148_5150delTAA).
Protein change: p.Asn1716del; deletes asparagine 1716.
Molecular consequence: non-coding transcript variant (on NR_176365.1).
Genome position (GRCh38, 1-based): chr5:112,840,742-112,840,744, TAA deleted; deleting any 3 consecutive bases within chr5:112,840,740-112,840,744 gives the same sequence; the c. name uses the placement nearest the transcript's 3' end. VCF-style (leftmost placement, unchanged base first): chr5-112840739-CAAT-C. GRCh37 (hg19) VCF-style: chr5-112176436-CAAT-C.
Other names: c.5148_5150del, p.Asn1716del (NM_001127510.3, NM_001354895.2, NM_001407450.1); c.5094_5096del, p.Asn1698del (NM_001127511.3); c.5202_5204del, p.Asn1734del (NM_001354896.2, NM_001407447.1, NM_001407448.1 and 1 more transcripts); c.5178_5180del, p.Asn1726del (NM_001354897.2); c.5073_5075del, p.Asn1691del (NM_001354898.2); c.5064_5066del, p.Asn1688del (NM_001354899.2); c.5025_5027del, p.Asn1675del (NM_001354900.2); c.4971_4973del, p.Asn1657del (NM_001354901.2, NM_001407453.1); and 11 more; short protein forms N1556del, N1587del, N1615del, N1657del, N1675del, N1625del, N1688del, N1691del.
Identifiers: ClinVar variation 3409269 (VCV003409269.1).
Genomic context (GRCh38, chr5:112,840,739, plus strand): 5'-AAGTACAGATGAGGCTCAAGGAGGAAAAACCTCATCTGTAACCATACCTGAATTGGATGA[CAAT>C]AAAGCAGAGGAAGGTGATATTCTTGCAGAATGCATTAATTCTGCTATGCCCAAAGGGAAA-3'

ClinVar aggregate classification (germline): Uncertain significance (1 of 4 stars; one submission).

Conditions:
Hereditary cancer-predisposing syndrome. Also called: Neoplastic Syndromes, Hereditary; Tumor predisposition; Hereditary Cancer Syndrome; Hereditary neoplastic syndrome. Identifiers: Orphanet 140162, MedGen C0027672, MeSH D009386, MONDO:0015356.

Submission:

Ambry Genetics
Classification: Uncertain significance for Hereditary cancer-predisposing syndrome. Last evaluated: 2024-07-05. Review status: criteria provided, single submitter. Criteria: Ambry Variant Classification Scheme 2023. Collection method: clinical testing. Allele origin: germline.
Comment: The c.5148_5150delTAA variant (also known as p.N1716del) is located in coding exon 15 of the APC gene. This variant results from an in-frame TAA deletion at nucleotide positions 5148 to 5150. This results in the in-frame deletion of an asparagine at codon 1716. This amino acid position is poorly conserved in available vertebrate species. In addition, this alteration is predicted to be neutral by in silico analysis (Choi Y et al. PLoS ONE. 2012; 7(10):e46688). Based on the available evidence, the clinical significance of this variant remains unclear.